The following continues an entry in ClinVar:

NM_000017.4(ACADS):c.529T>C (p.Trp177Arg)

Gene: ACADS. ClinVar aggregate classification (germline): Pathogenic/Likely pathogenic. Pathogenic (16); Likely pathogenic (3).

Submissions 11 to 23 of 23:

Baylor Genetics
Classification: Pathogenic for Deficiency of butyryl-CoA dehydrogenase. Last evaluated: 2023-12-10. Review status: criteria provided, single submitter. Criteria: ACMG Guidelines, 2015. Collection method: clinical testing. Allele origin: unknown.

Laboratory for Molecular Medicine, Mass General Brigham Personalized Medicine
Classification: Likely pathogenic for Deficiency of butyryl-CoA dehydrogenase. Last evaluated: 2023-10-02. Review status: criteria provided, single submitter. Criteria: ACMG Guidelines, 2015. Collection method: clinical testing. Allele origin: germline. Inheritance: Autosomal recessive inheritance.
Comment: The p.Trp177Arg variant in ACADS has been reported in the homozygous state in at least 7 individuals and in the compound heterozygous state in 11 individuals with short chain acyl-CoA dehydrogenase deficiency (SCADD) that was detected from biochemical evaluations; however, many of these individuals were asymptomatic at the time of study (Gregersen 1998 PMID: 9499414, Koeberl 2003 PMID: 12736383, Waisbren 2008 PMID: 18676165, Pena 2012 PMID: 22241096, Maguolo 2020 PMID: 32793418, Sadat 2020 PMID: 31813752). It has also been reported by other clinical laboratories in ClinVar (Variation ID 3828) and has been identified in 0.6% (261/41434) of African chromosomes by gnomAD (v.3.1.2), including 3 homozygotes, which is consistent with the frequency and manifestation of SCADD in the generation population. In vitro functional studies provide evidence that this variant reduces enzyme activity (Gregersen 1998 PMID: 9499414) and computational prediction tools and conservation analyses are consistent with pathogenicity. In summary, although additional studies are required to fully establish its clinical significance, this variant meets criteria to be classified as likely pathogenic for autosomal recessive SCADD. ACMG/AMP Criteria applied: PM3_Strong, PP3, PS3_Supporting, PP4.

GeneDx
Classification: Pathogenic. Last evaluated: 2022-11-21. Review status: criteria provided, single submitter. Criteria: GeneDx Variant Classification Process June 2021. Collection method: clinical testing. Allele origin: germline. Affected: yes.
Comment: Reported previously in association with short chain acyl-CoA dehydrogenase (SCAD) deficiency using alternative nomenclature (Gregersen et al., 1998); Functional analysis found that this variant is associated with significantly reduced enzyme activity compared to wild-type (Gregersen et al., 1998); In silico analysis supports that this missense variant has a deleterious effect on protein structure/function; This variant is associated with the following publications: (PMID: 18523805, 12736383, 28263315, 16546179, 18676165, 22241096, 23798014, 22424739, 9499414, 31589614, 31813752, 32778825)

Revvity Omics, Revvity
Classification: Pathogenic for Deficiency of butyryl-CoA dehydrogenase. Last evaluated: 2022-10-15. Review status: criteria provided, single submitter. Criteria: ACMG Guidelines, 2015. Collection method: clinical testing. Allele origin: germline.

Laboratorio de Genetica e Diagnostico Molecular, Hospital Israelita Albert Einstein
Classification: Pathogenic for Deficiency of butyryl-CoA dehydrogenase. Last evaluated: 2022-09-23. Review status: criteria provided, single submitter. Criteria: ACMG Guidelines, 2015. Collection method: clinical testing. Allele origin: germline. Affected: yes.
Comment: ACMG classification criteria: PS3 supporting, PM3 very strong, PP3 supporting

Genome-Nilou Lab
Classification: Likely pathogenic for Deficiency of butyryl-CoA dehydrogenase. Last evaluated: 2021-11-07. Review status: criteria provided, single submitter. Criteria: ACMG Guidelines, 2015. Collection method: clinical testing. Allele origin: germline. Affected: no.

MGZ Medical Genetics Center
Classification: Likely pathogenic for Deficiency of butyryl-CoA dehydrogenase. Last evaluated: 2021-08-23. Review status: criteria provided, single submitter. Criteria: ACMG Guidelines, 2015. Collection method: clinical testing. Allele origin: germline. Affected: yes. Observed: 1 variant allele.
Comment: ACMG criteria applied: PS3, PM3, PM2_SUP, PP1, PP3

New York Genome Center
Classification: Pathogenic for Deficiency of butyryl-CoA dehydrogenase. Last evaluated: 2021-07-23. Review status: criteria provided, single submitter. Criteria: NYGC Assertion Criteria 2020. Collection method: clinical testing. Allele origin: inherited. Observed: 1 homozygote. Study: CSER-NYCKidSeq.
Comment: The homozygous c.529T>C (p.Trp177Arg) variant identified in the ACADS gene substitutes a well conserved Tryptophan for Arginine at amino acid177/413 (exon 5/10). This variant is found with appreciable frequency in gnomAD (279 heterozygotes, 3 homozygotes; allele frequency:1.83e-3). In silico algorithms predict it to be Damaging (SIFT; score:0.00) and Pathogenic (REVEL; score:0.957) to the function of the canonical transcript. This variant is reported as LikelyPathogenic/Pathogenic in ClinVar (VarID:3828) and has been reported in many individuals in the literature with biochemical findings consistent with SCADD [PMID:9499414, 18523805, 23798014, others]. Functional studies suggest it significantly impairs enzyme activity [PMID:9499414]. The homozygous c.529T>C(p.Trp177Arg) variant identified in the ACADS gene is reported as Pathogenic.

Eurofins Ntd Llc (ga)
Classification: Pathogenic. Last evaluated: 2017-01-06. Review status: criteria provided, single submitter. Criteria: EGL Classification Definitions 2015. Collection method: clinical testing. Allele origin: germline. Observed: 1 variant allele, 1 heterozygote.

PreventionGenetics, part of Exact Sciences
Classification: Pathogenic for ACADS-related condition. Last evaluated: 2024-06-03. Review status: no assertion criteria provided. Collection method: clinical testing. Allele origin: germline. Not counted in ClinVar's aggregate classification.
Comment: The ACADS c.529T>C variant is predicted to result in the amino acid substitution p.Trp177Arg. This variant, which has also been described as W153R, has been reported in the homozygous or compound heterozygous state in multiple patients with autosomal recessive short chain acyl-CoA dehydrogenase deficiency, although it should be noted that not all reported patients were clinically symptomatic (Gregersen et al. 1998. PubMedID: 9499414; Koeberl et al. 2003. PubMedID: 12736383; Pedersen et al. 2008. PubMed ID: 18523805; Waisbren et al. 2008. PubMed ID: 18676165; Waisbren et al. 2013. PubMed ID: 23798014). In experimental studies, the p.Trp177Arg substitution lead to near complete loss of enzyme activity, disrupted tetramer formation, and increased aggregation tendency (Gregersen et al. 1998. PubMedID: 9499414; Pedersen et al. 2008. PubMed ID: 18523805). In summary, we classify this variant as pathogenic.

Reproductive Health Research and Development, BGI Genomics
Classification: Pathogenic for Deficiency of butyryl-CoA dehydrogenase. Last evaluated: 2020-01-06. Review status: no assertion criteria provided. Collection method: curation. Allele origin: germline. Not counted in ClinVar's aggregate classification.
Comment: NM_000017.2:c.529T>C in the ACADS gene has an allele frequency of 0.007 in Africa subpopulation in the gnomAD database. Functional studies demonstrate that c.529T>C has affected aggregation and abolishes enzymatic activity of the encoded protein (PMID: 9499414; 18523805). It was detected in multiple individuals with autosomal recessive Deficiency of butyryl-CoA dehydrogenase, two homozygous c.529T>C (p.Trp177Arg), compound heterozygous with c.988C>T (p.Arg330Cys) (PMID: 22241096; 18676165; 12736383). Taken together, we interprete this variant as Pathogenic/Likely pathogenic. ACMG/AMP criteria applied: PS3; PM3_Strong; PP4.

Counsyl
Classification: Likely pathogenic for Deficiency of butyryl-CoA dehydrogenase. Last evaluated: 2014-08-22. Review status: no assertion criteria provided. Collection method: literature only. Allele origin: unknown. Inheritance: Autosomal recessive inheritance. Not counted in ClinVar's aggregate classification.

OMIM
Classification: Pathogenic for SCAD DEFICIENCY. Last evaluated: 1998-04-01. Review status: no assertion criteria provided. Collection method: literature only. Allele origin: germline. Not counted in ClinVar's aggregate classification.

Literature cited by the submitters: PubMed 9499414 (cited by 11 submitters); PubMed 12736383 (cited by 8 submitters); PubMed 18523805 (cited by 7 submitters); PubMed 18676165 (cited by 9 submitters); PubMed 22241096 (cited by 6 submitters); PubMed 32793418 (cited by 4 submitters); PubMed 31813752 (cited by Dasa and Laboratory for Molecular Medicine, Mass General Brigham Personalized Medicine); PubMed 38103157 (cited by Dasa); PubMed 23798014 (cited by 5 submitters); PubMed 16546179 (cited by Counsyl).